The following is an entry in ClinVar:

ClinVar aggregate classification (germline): Uncertain significance (1 of 4 stars; one submission).

Conditions:
Brugada syndrome 8 (BRGDA8). Identifiers: Orphanet 130, MedGen C2751083, MONDO:0013148, OMIM 613123.

gnomAD v4.1: 5 of 1,594,448 alleles (0.00031%); highest among the groups gnomAD compares: Non-Finnish European, 0.00042%; no homozygotes.

Submission:

Labcorp Genetics (formerly Invitae), Labcorp
Classification: Uncertain significance for Brugada syndrome 8. Last evaluated: 2025-03-12. Review status: criteria provided, single submitter. Criteria: Invitae Variant Classification Sherloc (09022015). Collection method: clinical testing. Allele origin: germline.
Comment: This sequence change replaces serine, which is neutral and polar, with leucine, which is neutral and non-polar, at codon 183 of the HCN4 protein (p.Ser183Leu). This variant is not present in population databases (gnomAD no frequency). This variant has not been reported in the literature in individuals affected with HCN4-related conditions. Invitae Evidence Modeling of protein sequence and biophysical properties (such as structural, functional, and spatial information, amino acid conservation, physicochemical variation, residue mobility, and thermodynamic stability) indicates that this missense variant is not expected to disrupt HCN4 protein function with a negative predictive value of 95%. In summary, the available evidence is currently insufficient to determine the role of this variant in disease. Therefore, it has been classified as a Variant of Uncertain Significance.

NM_005477.3(HCN4):c.548C>T (p.Ser183Leu)

Gene: HCN4 (hyperpolarization activated cyclic nucleotide gated potassium channel 4; minus strand). Cytogenetic location: 15q24.1.
Variant type: single nucleotide variant.
Coding change: c.548C>T on transcript NM_005477.3 (MANE Select); coding-DNA position 548, C replaced by T.
Protein change: p.Ser183Leu; replaces serine 183 with leucine.
Molecular consequence: missense variant.
Genome position (GRCh38, 1-based): chr15:73,367,723, G>A on the plus strand (C>T on the coding strand, the complement: HCN4 is on the minus strand). VCF-style: chr15-73367723-G-A. GRCh37 (hg19) VCF-style: chr15-73660064-G-A.
Other names: short protein forms S183L.
Identifiers: ClinVar variation 3695244 (VCV003695244.2).